The following is an entry in ClinVar:

ClinVar aggregate classification (germline): Pathogenic/Likely pathogenic. Review status: criteria provided, multiple submitters, no conflicts (2 of 4 stars). 4 submissions from 4 submitters: Pathogenic (1); Likely pathogenic (3). Last evaluated 2024-12-16.

Conditions:
Becker muscular dystrophy (BMD). Also called: MUSCULAR DYSTROPHY, PSEUDOHYPERTROPHIC PROGRESSIVE, BECKER TYPE; Becker Muscular Dystrophy (BMD). Identifiers: Orphanet 98895, MedGen C0917713, MONDO:0010311, OMIM 300376.
Duchenne muscular dystrophy (DMD). Also called: Duchenne Muscular Dystrophy (DMD); MUSCULAR DYSTROPHY, PSEUDOHYPERTROPHIC PROGRESSIVE, DUCHENNE TYPE. Identifiers: Orphanet 98896, MedGen C0013264, MONDO:0010679, OMIM 310200.
Becker muscular dystrophy, Cardiomyopathy, Duchenne muscular dystrophy, Dystrophin deficiency.
Neuromuscular disease caused by qualitative or quantitative defects of dystrophin. Also called: Qualitative or quantitative defects of dystrophin. Identifiers: Orphanet 207085, MedGen C5679787, MONDO:0016147.

Submissions (4):

Natera, Inc.
Classification: Likely pathogenic for Becker muscular dystrophy, Cardiomyopathy, Duchenne muscular dystrophy, Dystrophin deficiency. Last evaluated: 2024-12-16. Review status: criteria provided, single submitter. Criteria: Natera Variant Classification Schema (03/2026). Collection method: clinical testing. Allele origin: germline.
Comment: The c.10248G>A variant in DMD is a nonsense variant predicted to introduce a stop codon at amino acid 3416. This variant is expected to result in nonsense mediated decay, truncation, or a dysfunctional protein product. This variant is rare in the general population with a frequency below the threshold expected for the associated phenotype(s). Given the available evidence, this variant is classified as Likely Pathogenic.

Labcorp Genetics (formerly Invitae), Labcorp
Classification: Pathogenic for Duchenne muscular dystrophy. Last evaluated: 2023-01-06. Review status: criteria provided, single submitter. Criteria: Invitae Variant Classification Sherloc (09022015). Collection method: clinical testing. Allele origin: germline.
Comment: For these reasons, this variant has been classified as Pathogenic. ClinVar contains an entry for this variant (Variation ID: 854585). This variant has not been reported in the literature in individuals affected with DMD-related conditions. This variant is not present in population databases (gnomAD no frequency). This sequence change creates a premature translational stop signal (p.Trp3416*) in the DMD gene. It is expected to result in an absent or disrupted protein product. Loss-of-function variants in DMD are known to be pathogenic (PMID: 16770791, 25007885). In addition, truncating variants in exon 71 (p.Pro3409Tyr*22, p.Thr3411Asn*22, and p.Leu3412Argfs*7) that result in partial in-frame exon skipping have been observed in individuals with clinical features of mild Becker muscular dystrophy (PMID: 17041906, 23536893).

Baylor Genetics
Classification: Likely pathogenic for Becker muscular dystrophy. Last evaluated: 2022-10-01. Review status: criteria provided, single submitter. Criteria: ACMG Guidelines, 2015. Collection method: clinical testing. Allele origin: unknown.

Women's Health and Genetics/Laboratory Corporation of America, LabCorp
Classification: Likely pathogenic for Neuromuscular disease caused by qualitative or quantitative defects of dystrophin. Last evaluated: 2022-07-11. Review status: criteria provided, single submitter. Criteria: LabCorp Variant Classification Summary - May 2015. Collection method: clinical testing. Allele origin: germline.
Comment: Variant summary: DMD c.10248G>A (p.Trp3416X) results in a premature termination codon, predicted to cause a truncation of the encoded protein or absence of the protein due to nonsense mediated decay, which are commonly known mechanisms for disease. Truncations downstream of this position have been classified as pathogenic in ClinVar database. The variant was absent in 179224 control chromosomes (gnomAD). To our knowledge, no occurrence of c.10248G>A in individuals affected with Dystrophinopathies and no experimental evidence demonstrating its impact on protein function have been reported. Two ClinVar submitters (evaluation after 2014) cite the variant as pathogenic. Based on the evidence outlined above, the variant was classified as likely pathogenic.

Literature cited by the submitters: PubMed 16770791 (cited by Labcorp Genetics (formerly Invitae), Labcorp); PubMed 25007885 (cited by Labcorp Genetics (formerly Invitae), Labcorp); PubMed 17041906 (cited by Labcorp Genetics (formerly Invitae), Labcorp); PubMed 23536893 (cited by Labcorp Genetics (formerly Invitae), Labcorp).

NM_004006.3(DMD):c.10248G>A (p.Trp3416Ter)

Gene: DMD (dystrophin; minus strand). Cytogenetic location: Xp21.2.
Variant type: single nucleotide variant.
Coding change: c.10248G>A on transcript NM_004006.3 (MANE Select); coding-DNA position 10248, G replaced by A.
Protein change: p.Trp3416Ter; replaces tryptophan 3416 with a stop codon.
Molecular consequence: nonsense. On other transcripts: intron variant (5).
Genome position (GRCh38, 1-based): chrX:31,177,946, C>T on the plus strand (G>A on the coding strand, the complement: DMD is on the minus strand). VCF-style: chrX-31177946-C-T. GRCh37 (hg19) VCF-style: chrX-31196063-C-T.
Other names: c.10224G>A, p.Trp3408Ter (NM_000109.4); c.10236G>A, p.Trp3412Ter (NM_004009.3); c.9879G>A, p.Trp3293Ter (NM_004010.3); c.6225G>A, p.Trp2075Ter (NM_004011.4); c.6216G>A, p.Trp2072Ter (NM_004012.4); c.2868G>A, p.Trp956Ter (NM_004013.3, NM_004021.3); c.2061G>A, p.Trp687Ter (NM_004014.3); c.1044G>A, p.Trp348Ter (NM_004015.3, NM_004016.3); and 2 more; short protein forms W2072*, W3408*, W3412*, W348*, W956*, W687*, W2075*, W3293*.
Identifiers: ClinVar variation 854585 (VCV000854585.14), dbSNP rs376745644, ClinGen allele CA412652612.